The following is an entry in ClinVar:

NM_198578.4(LRRK2):c.6386T>C (p.Phe2129Ser)

Gene: LRRK2 (leucine rich repeat kinase 2; plus strand). Cytogenetic location: 12q12.
Variant type: single nucleotide variant.
Coding change: c.6386T>C on transcript NM_198578.4 (MANE Select); coding-DNA position 6386, T replaced by C.
Protein change: p.Phe2129Ser; replaces phenylalanine 2129 with serine.
Molecular consequence: missense variant.
Genome position (GRCh38, 1-based): chr12:40,351,543, T>C. VCF-style: chr12-40351543-T-C. GRCh37 (hg19) VCF-style: chr12-40745345-T-C.
Other names: short protein forms F2129S.
Identifiers: ClinVar variation 1753195 (VCV001753195.2), dbSNP rs2499981315, ClinGen allele CA384406441.
Genomic context (GRCh38, chr12:40,351,543, plus strand): 5'-CAAGGGAAATGAGTTAACTCGATAAGTACTGTTTTGTTATCTTTAAACTTTCTCAGGTCT[T>C]TGACATTTTGAATTCAGCTGAATTAGTCTGTCTGACGAGACGCATTTTATTACCTAAAAA-3'
Protein context (NP_940980.4, residues 2119-2139): PQERPTSAQV[Phe2129Ser]DILNSAELVC

ClinVar aggregate classification (germline): Uncertain significance (1 of 4 stars; one submission).

Conditions:
Inborn genetic diseases. Identifiers: MedGen C0950123, MeSH D030342.

Submission:

Ambry Genetics
Classification: Uncertain significance for Inborn genetic diseases. Last evaluated: 2022-06-06. Review status: criteria provided, single submitter. Criteria: Ambry Variant Classification Scheme 2023. Collection method: clinical testing. Allele origin: germline.
Comment: The p.F2129S variant (also known as c.6386T>C), located in coding exon 44 of the LRRK2 gene, results from a T to C substitution at nucleotide position 6386. The phenylalanine at codon 2129 is replaced by serine, an amino acid with highly dissimilar properties. This amino acid position is conserved. In addition, this alteration is predicted to be deleterious by in silico analysis. Since supporting evidence is limited at this time, the clinical significance of this alteration remains unclear.